The following is an entry in ClinVar:

ClinVar aggregate classification (germline): Conflicting classifications of pathogenicity. Review status: criteria provided, conflicting classifications (1 of 4 stars). 4 submissions from 4 submitters: Uncertain significance (3); Likely benign (1). Last evaluated 2024-10-15.

Conditions:
Nijmegen breakage syndrome-like disorder (NBSLD). Also called: MICROCEPHALY AND SPONTANEOUS CHROMOSOME INSTABILITY WITHOUT IMMUNODEFICIENCY; NBS-LIKE DISORDER; RAD50 DEFICIENCY. Identifiers: Orphanet 240760, MedGen C2751318, MONDO:0013118, OMIM 613078.
Hereditary cancer-predisposing syndrome. Also called: Neoplastic Syndromes, Hereditary; Tumor predisposition; Hereditary Cancer Syndrome; Hereditary neoplastic syndrome. Identifiers: Orphanet 140162, MedGen C0027672, MeSH D009386, MONDO:0015356.

Allele frequency attached by ClinVar (database versions not stated): gnomAD exomes below 0.00001 and 0.00001; ExAC 0.00001; TOPMed 0.00001.
gnomAD v4.1: 15 of 1,611,050 alleles (0.00093%); highest among the groups gnomAD compares: Non-Finnish European, 0.0012%; no homozygotes.

Submissions (4):

Labcorp Genetics (formerly Invitae), Labcorp
Classification: Uncertain significance for Hereditary cancer-predisposing syndrome. Last evaluated: 2024-10-15. Review status: criteria provided, single submitter. Criteria: Invitae Variant Classification Sherloc (09022015). Collection method: clinical testing. Allele origin: germline.
Comment: This sequence change replaces aspartic acid, which is acidic and polar, with asparagine, which is neutral and polar, at codon 946 of the RAD50 protein (p.Asp946Asn). This variant is present in population databases (rs766657227, gnomAD 0.0009%). This variant has not been reported in the literature in individuals affected with RAD50-related conditions. ClinVar contains an entry for this variant (Variation ID: 230339). Invitae Evidence Modeling of protein sequence and biophysical properties (such as structural, functional, and spatial information, amino acid conservation, physicochemical variation, residue mobility, and thermodynamic stability) indicates that this missense variant is not expected to disrupt RAD50 protein function with a negative predictive value of 80%. In summary, the available evidence is currently insufficient to determine the role of this variant in disease. Therefore, it has been classified as a Variant of Uncertain Significance.

Quest Diagnostics Nichols Institute San Juan Capistrano
Classification: Uncertain significance. Last evaluated: 2024-10-09. Review status: criteria provided, single submitter. Criteria: Quest Diagnostics criteria. Collection method: clinical testing. Allele origin: unknown.
Comment: The RAD50 c.2836G>A (p.Asp946Asn) variant has been reported in the published literature in an individual with breast cancer in a large-scale breast cancer association study (PMID: 33471991 (2021), see also LOVD). The frequency of this variant in the general population, 0.000004 (1/247786 chromosomes (Genome Aggregation Database)), is uninformative in the assessment of its pathogenicity. Analysis of this variant using bioinformatics tools for the prediction of the effect of amino acid changes on protein structure and function yielded predictions that this variant is benign. Based on the available information, we are unable to determine the clinical significance of this variant.

Ambry Genetics
Classification: Likely benign for Hereditary cancer-predisposing syndrome. Last evaluated: 2024-03-28. Review status: criteria provided, single submitter. Criteria: Ambry Variant Classification Scheme 2023. Collection method: clinical testing. Allele origin: germline.

Fulgent Genetics
Classification: Uncertain significance for Nijmegen breakage syndrome-like disorder. Last evaluated: 2018-10-31. Review status: criteria provided, single submitter. Criteria: ACMG Guidelines, 2015. Collection method: clinical testing. Allele origin: unknown.

Literature cited by the submitters: PubMed 33471991 (cited by Quest Diagnostics Nichols Institute San Juan Capistrano).

NM_005732.4(RAD50):c.2836G>A (p.Asp946Asn)

Gene: RAD50 (RAD50 double strand break repair protein; plus strand). Cytogenetic location: 5q31.1.
Variant type: single nucleotide variant.
Coding change: c.2836G>A on transcript NM_005732.4 (MANE Select); coding-DNA position 2836, G replaced by A.
Protein change: p.Asp946Asn; replaces aspartic acid 946 with asparagine.
Molecular consequence: missense variant.
Genome position (GRCh38, 1-based): chr5:132,609,123, G>A. VCF-style: chr5-132609123-G-A. GRCh37 (hg19) VCF-style: chr5-131944815-G-A.
Other names: short protein forms D946N.
Identifiers: ClinVar variation 230339 (VCV000230339.16), dbSNP rs766657227, ClinGen allele CA3405468.
Genomic context (GRCh38, chr5:132,609,123, plus strand): 5'-TGTTATGTGCCCTTAAGTACAACCAGTGTAAATTTAATGAATATTTTTCTACAGCTGAAT[G>A]ATATTAAAGAGAAGGTTAAAAATATTCATGGCTATATGAAAGACATTGAGAATTATATTC-3'
Protein context (NP_005723.2, residues 936-956): SNKIAQDKLN[Asp946Asn]IKEKVKNIHG